The following is an entry in ClinVar:

ClinVar aggregate classification (germline): Conflicting classifications of pathogenicity. Review status: criteria provided, conflicting classifications (1 of 4 stars). 2 submissions from 2 submitters: Uncertain significance (1); Likely benign (1). Last evaluated 2022-08-09.

Conditions:
Joubert syndrome 15 (JBTS15). Identifiers: Orphanet 475, MedGen C3280897, MONDO:0013763, OMIM 614464.

Allele frequency attached by ClinVar (database versions not stated): gnomAD exomes 0.00001 and 0.00005; ExAC 0.00002; gnomAD 0.00009 and 0.00010; TOPMed 0.00028.

Submissions (3):

Labcorp Genetics (formerly Invitae), Labcorp
Classification: Uncertain significance for Joubert syndrome 15. Last evaluated: 2022-08-09. Review status: criteria provided, single submitter. Criteria: Invitae Variant Classification Sherloc (09022015). Collection method: clinical testing. Allele origin: germline.
Comment: This sequence change falls in intron 3 of the CEP41 gene. It does not directly change the encoded amino acid sequence of the CEP41 protein. It affects a nucleotide within the consensus splice site. This variant is present in population databases (rs782483563, gnomAD 0.03%). This variant has not been reported in the literature in individuals affected with CEP41-related conditions. ClinVar contains an entry for this variant (Variation ID: 963719). Variants that disrupt the consensus splice site are a relatively common cause of aberrant splicing (PMID: 17576681, 9536098). Algorithms developed to predict the effect of sequence changes on RNA splicing suggest that this variant is not likely to affect RNA splicing. In summary, the available evidence is currently insufficient to determine the role of this variant in disease. Therefore, it has been classified as a Variant of Uncertain Significance.

GeneDx
Classification: Likely benign. Last evaluated: 2018-12-11. Review status: criteria provided, single submitter. Criteria: GeneDx Variant Classification Process June 2021. Collection method: clinical testing. Allele origin: germline. Affected: yes.

Dr. Peter K. Rogan Lab, Western University
No classification provided (evidence only). Condition: Colorectal cancer. Review status: no classification provided. Collection method: in vitro. Allele origin: not applicable. Functional consequence: skipped exon. Not counted in ClinVar's aggregate classification.

Literature cited by the submitters: PubMed 17576681 (cited by Labcorp Genetics (formerly Invitae), Labcorp); PubMed 9536098 (cited by Labcorp Genetics (formerly Invitae), Labcorp).

NM_018718.3(CEP41):c.145+6del

Gene: CEP41 (centrosomal protein 41; minus strand). Cytogenetic location: 7q32.2.
Variant type: Deletion.
Coding change: c.145+6del on transcript NM_018718.3 (MANE Select); 6 bases into the intron after coding-DNA position 145, one base deleted (T; older notation c.145+6delT).
Molecular consequence: intron variant.
Genome position (GRCh38, 1-based): chr7:130,416,913, A deleted on the plus strand (T on the coding strand, the reverse complement: CEP41 is on the minus strand). VCF-style (leftmost placement, unchanged base first): chr7-130416912-TA-T. GRCh37 (hg19) VCF-style: chr7-130056753-TA-T.
Other names: c.98-4673del (NM_001257159.2); c.145+6del (NM_001257158.2).
Identifiers: ClinVar variation 963719 (VCV000963719.7), dbSNP rs782483563, ClinGen allele CA4485675.